The following is an entry in ClinVar:

ClinVar aggregate classification (germline): Conflicting classifications of pathogenicity. Review status: criteria provided, conflicting classifications (1 of 4 stars). 2 submissions from 2 submitters: Uncertain significance (1); Likely benign (1). Last evaluated 2025-09-15.

Allele frequency attached by ClinVar (database versions not stated): gnomAD exomes 0.00010; ExAC 0.00016; gnomAD 0.00046 and 0.00048; TOPMed 0.00050; ESP Exome Variant Server 0.00062; 1000 Genomes Project 0.00080; 1000 Genomes Project 30x 0.00125.
gnomAD v4.1: 137 of 1,472,356 alleles (0.0093%); highest among the groups gnomAD compares: African/African-American, 0.16%; 1 homozygote.

Submissions (2):

Labcorp Genetics (formerly Invitae), Labcorp
Classification: Likely benign. Last evaluated: 2025-09-15. Review status: criteria provided, single submitter. Criteria: Invitae Variant Classification Sherloc (09022015). Collection method: clinical testing. Allele origin: germline.

GeneDx
Classification: Uncertain significance. Last evaluated: 2020-06-01. Review status: criteria provided, single submitter. Criteria: GeneDx Variant Classification Process June 2021. Collection method: clinical testing. Allele origin: germline. Affected: yes.
Comment: In silico analysis supports that this missense variant does not alter protein structure/function; Has not been previously published as pathogenic or benign to our knowledge

NM_001291303.3(FAT4):c.12342C>G (p.Ile4114Met)

Gene: FAT4 (FAT atypical cadherin 4; plus strand). Cytogenetic location: 4q28.1.
Variant type: single nucleotide variant.
Coding change: c.12342C>G on transcript NM_001291303.3 (MANE Select); coding-DNA position 12342, C replaced by G.
Protein change: p.Ile4114Met; replaces isoleucine 4114 with methionine.
Molecular consequence: missense variant.
Genome position (GRCh38, 1-based): chr4:125,477,197, C>G. VCF-style: chr4-125477197-C-G. GRCh37 (hg19) VCF-style: chr4-126398352-C-G.
Other names: c.12342C>G, p.Ile4114Met (NM_001291285.3); c.12336C>G, p.Ile4112Met (NM_024582.6); short protein forms I4112M, I4114M.
Identifiers: ClinVar variation 1194624 (VCV001194624.10), dbSNP rs150804471, ClinGen allele CA3074075.